The following is an entry in ClinVar:

NM_001347886.2(DNAH3):c.1038G>A (p.Ala346=)

Gene: DNAH3 (dynein axonemal heavy chain 3; minus strand). Cytogenetic location: 16p12.3.
Variant type: single nucleotide variant.
Coding change: c.1038G>A on transcript NM_001347886.2 (MANE Select); coding-DNA position 1038, G replaced by A.
Protein change: p.Ala346=; no amino-acid change (alanine 346 retained).
Molecular consequence: synonymous variant.
Genome position (GRCh38, 1-based): chr16:21,127,770, C>T on the plus strand (G>A on the coding strand, the complement: DNAH3 is on the minus strand). VCF-style: chr16-21127770-C-T. GRCh37 (hg19) VCF-style: chr16-21139091-C-T.
Other names: c.1038G>A, p.Ala346= (NM_001394581.1); c.1125G>A, p.Ala375= (NM_017539.2).
Identifiers: ClinVar variation 2646303 (VCV002646303.24), dbSNP rs373634011, ClinGen allele CA7948893.
Genomic context (GRCh38, chr16:21,127,770, plus strand): 5'-CTCCAGGCAGTGTTTCTGGATCACATCCCAAAATTCCTGAGGCTGCAGAGGCAATTTTCC[C>T]GCTAGTATTTCTGCTGTTCGAACAAACCTGAGGTCTCTGAATCTGCCAAAAGAGAGGGAG-3'
Protein context (NP_001334815.1, residues 336-356): LRFVRTAEIL[Ala346=]GKLPLQPQEF

ClinVar aggregate classification (germline): Likely benign (1 of 4 stars; one submission).

Allele frequency attached by ClinVar (database versions not stated): gnomAD exomes 0.00007; ExAC 0.00008; ESP Exome Variant Server 0.00008; gnomAD 0.00009; TOPMed 0.00009.
gnomAD v4.1: 128 of 1,613,978 alleles (0.0079%); highest among the groups gnomAD compares: Middle Eastern, 0.15%; 1 homozygote.

Submission:

CeGaT Center for Human Genetics Tuebingen
Classification: Likely benign. Last evaluated: 2022-10-01. Review status: criteria provided, single submitter. Criteria: CeGaT Center For Human Genetics Tuebingen Variant Classification Criteria Version 2. Collection method: clinical testing. Allele origin: germline. Affected: yes. Observed: 1 variant allele.
Comment: DNAH3: BP4, BP7